The following is an entry in ClinVar:

NM_007294.4(BRCA1):c.5314T>C (p.Phe1772Leu)

Gene: BRCA1 (BRCA1 DNA repair associated; minus strand). Cytogenetic location: 17q21.31.
Variant type: single nucleotide variant.
Coding change: c.5314T>C on transcript NM_007294.4 (MANE Select); coding-DNA position 5314, T replaced by C.
Protein change: p.Phe1772Leu; replaces phenylalanine 1772 with leucine.
Molecular consequence: missense variant. On other transcripts: non-coding transcript variant (1).
Genome position (GRCh38, 1-based): chr17:43,051,081, A>G on the plus strand (T>C on the coding strand, the complement: BRCA1 is on the minus strand). VCF-style: chr17-43051081-A-G. GRCh37 (hg19) VCF-style: chr17-41203098-A-G.
Other names: c.5311T>C, p.Phe1771Leu (NM_001407624.1, NM_001407625.1, NM_001407626.1 and 17 more transcripts); c.5308T>C, p.Phe1770Leu (NM_001407627.1, NM_001407628.1, NM_001407629.1 and 14 more transcripts); c.5305T>C, p.Phe1769Leu (NM_001407644.1, NM_001407645.1); c.5302T>C, p.Phe1768Leu (NM_001407646.1); c.5299T>C, p.Phe1767Leu (NM_001407647.1); c.5257T>C, p.Phe1753Leu (NM_001407648.1); c.5254T>C, p.Phe1752Leu (NM_001407649.1); c.5236T>C, p.Phe1746Leu (NM_001407652.1, NM_001407653.1, NM_001407654.1 and 1 more transcripts); and 72 more; short protein forms F668L, F1725L, F1772L, F1793L, F1475L, F1476L, F1659L, F1661L.
Identifiers: ClinVar variation 865294 (VCV000865294.3), dbSNP rs2051201351, ClinGen allele CA10590924.

Conditions:
Breast-ovarian cancer, familial, susceptibility to, 1 (BROVCA1). Also called: BRCA1 Hereditary Breast and Ovarian Cancer; OVARIAN CANCER, SUSCEPTIBILITY TO. Identifiers: Orphanet 145, MedGen C2676676, MONDO:0011450, OMIM 604370. Disease mechanism: loss of function.

Submission:

Brotman Baty Institute, University of Washington
No classification provided (evidence only). Condition: Breast-ovarian cancer, familial 1. Review status: no classification provided. Collection method: in vitro. Allele origin: not applicable. Functional consequence: functionally_normal.
ClinVar note: "not provided" was previously submitted as the classification for the variant. However, the classification appeared to be based only on an observation of functional data so it was converted to no classification on 2025-07-30.